The following is an entry in ClinVar:

ClinVar aggregate classification (germline): Benign/Likely benign. Review status: criteria provided, multiple submitters, no conflicts (2 of 4 stars). 4 submissions from 4 submitters: Benign (1); Likely benign (3). Last evaluated 2026-07-01.

Conditions:
Sessile serrated polyposis cancer syndrome (SSPCS). Identifiers: Orphanet 157798, MedGen C4310714, MONDO:0014919, OMIM 617108.

Allele frequency attached by ClinVar (database versions not stated): TOPMed 0.00008; gnomAD exomes 0.00004 and 0.00002; ExAC 0.00003; ESP Exome Variant Server 0.00008; gnomAD 0.00009.
gnomAD v4.1: 40 of 1,614,058 alleles (0.0025%); highest among the groups gnomAD compares: African/African-American, 0.028%; no homozygotes.

Submissions (4):

Myriad Genetics, Inc.
Classification: Benign for Sessile serrated polyposis cancer syndrome. Last evaluated: 2026-07-01. Review status: criteria provided, single submitter. Criteria: Myriad Autosomal Dominant, Autosomal Recessive and X-Linked Classification Criteria (2023). Collection method: clinical testing. Allele origin: unknown.
Comment: This variant is considered benign. This variant is a silent/synonymous amino acid change and it is not expected to impact splicing.

Ambry Genetics
Classification: Likely benign. Last evaluated: 2024-11-25. Review status: criteria provided, single submitter. Criteria: Ambry Variant Classification Scheme 2023. Collection method: clinical testing. Allele origin: germline.

Labcorp Genetics (formerly Invitae), Labcorp
Classification: Likely benign. Last evaluated: 2024-08-07. Review status: criteria provided, single submitter. Criteria: Invitae Variant Classification Sherloc (09022015). Collection method: clinical testing. Allele origin: germline.

CeGaT Center for Human Genetics Tuebingen
Classification: Likely benign. Last evaluated: 2024-04-01. Review status: criteria provided, single submitter. Criteria: CeGaT Center For Human Genetics Tuebingen Variant Classification Criteria Version 2. Collection method: clinical testing. Allele origin: germline. Affected: yes. Observed: 1 variant allele.
Comment: RNF43: BP4, BP7

NM_017763.6(RNF43):c.1449G>A (p.Thr483=)

Gene: RNF43 (ring finger protein 43; minus strand). Cytogenetic location: 17q22.
Variant type: single nucleotide variant.
Coding change: c.1449G>A on transcript NM_017763.6 (MANE Select); coding-DNA position 1449, G replaced by A.
Protein change: p.Thr483=; no amino-acid change (threonine 483 retained).
Molecular consequence: synonymous variant.
Genome position (GRCh38, 1-based): chr17:58,358,327, C>T on the plus strand (G>A on the coding strand, the complement: RNF43 is on the minus strand). VCF-style: chr17-58358327-C-T. GRCh37 (hg19) VCF-style: chr17-56435688-C-T.
Other names: c.1449G>A, p.Thr483= (NM_001305544.3); c.1068G>A, p.Thr356= (NM_001305545.2).
Identifiers: ClinVar variation 842205 (VCV000842205.30), dbSNP rs370015542, ClinGen allele CA8673178.
Genomic context (GRCh38, chr17:58,358,327, plus strand): 5'-ACTGCTTAGGGAGCTGCAGAAAGTAGAACTGCTGCCATGGACCCCCTGTAGGCTGATGTC[C>T]GTGCAGTTGACCACAGAGTCACTGGAAGAGCCATGACAGGGCCCTGAGCTGGAGTCACTG-3'
Protein context (NP_060233.3, residues 473-493): GSSSDSVVNC[Thr483=]DISLQGVHGS